The following is an entry in ClinVar:

ClinVar aggregate classification (germline): Benign/Likely benign. Review status: criteria provided, multiple submitters, no conflicts (2 of 4 stars). 2 submissions from 2 submitters: Benign (1); Likely benign (1). Last evaluated 2025-06-13.

Allele frequency attached by ClinVar (database versions not stated): gnomAD exomes 0.00036 and 0.00090; ExAC 0.00171; ESP Exome Variant Server 0.00350; 1000 Genomes Project 0.00379; gnomAD 0.00397 and 0.00429; 1000 Genomes Project 30x 0.00422; TOPMed 0.00455.
gnomAD v4.1: 1,117 of 1,551,844 alleles (0.072%); highest among the groups gnomAD compares: African/African-American, 1.3%; 5 homozygotes.

Submissions (2):

Labcorp Genetics (formerly Invitae), Labcorp
Classification: Benign. Last evaluated: 2025-06-13. Review status: criteria provided, single submitter. Criteria: Invitae Variant Classification Sherloc (09022015). Collection method: clinical testing. Allele origin: germline.

GeneDx
Classification: Likely benign. Last evaluated: 2019-02-04. Review status: criteria provided, single submitter. Criteria: GeneDx Variant Classification Process June 2021. Collection method: clinical testing. Allele origin: germline. Affected: yes.
Comment: See Variant Classification Assertion Criteria.

NM_001291088.2(WDR87):c.7843C>T (p.Arg2615Cys)

Gene: WDR87 (WD repeat domain 87; minus strand). Cytogenetic location: 19q13.13.
Variant type: single nucleotide variant.
Coding change: c.7843C>T on transcript NM_001291088.2 (MANE Select); coding-DNA position 7843, C replaced by T.
Protein change: p.Arg2615Cys; replaces arginine 2615 with cysteine.
Molecular consequence: missense variant.
Genome position (GRCh38, 1-based): chr19:37,885,828, G>A on the plus strand (C>T on the coding strand, the complement: WDR87 is on the minus strand). VCF-style: chr19-37885828-G-A. GRCh37 (hg19) VCF-style: chr19-38376468-G-A.
Other names: c.7726C>T, p.Arg2576Cys (NM_031951.5); short protein forms R2576C, R2615C.
Identifiers: ClinVar variation 1598623 (VCV001598623.10), dbSNP rs115178885, ClinGen allele CA9408403.